The following is an entry in ClinVar:

NM_000020.3(ACVRL1):c.1451G>C (p.Arg484Pro)

Gene: ACVRL1 (activin A receptor like type 1; plus strand). Cytogenetic location: 12q13.13.
Variant type: single nucleotide variant.
Coding change: c.1451G>C on transcript NM_000020.3 (MANE Select); coding-DNA position 1451, G replaced by C.
Protein change: p.Arg484Pro; replaces arginine 484 with proline.
Molecular consequence: missense variant.
Genome position (GRCh38, 1-based): chr12:51,920,832, G>C. VCF-style: chr12-51920832-G-C. GRCh37 (hg19) VCF-style: chr12-52314616-G-C.
Other names: c.1451G>C, p.Arg484Pro (NM_001077401.2); short protein forms R484P.
Identifiers: ClinVar variation 1512139 (VCV001512139.11), dbSNP rs863223408, ClinGen allele CA384905812.

ClinVar aggregate classification (germline): Pathogenic/Likely pathogenic. Review status: criteria provided, multiple submitters, no conflicts (2 of 4 stars). 2 submissions from 2 submitters: Pathogenic (1); Likely pathogenic (1). Last evaluated 2025-11-25.

Conditions:
Telangiectasia, hereditary hemorrhagic, type 2 (HHT2). Also called: ACVRL1-Related Hereditary Hemorrhagic Telangiectasia; Telangiectasia, hereditary hemorrhagic, type II. Identifiers: Orphanet 774, MedGen C1838163, MONDO:0010880, OMIM 600376. Disease mechanism: loss of function.
Cardiovascular phenotype. Identifiers: MedGen CN230736.

Submissions (2):

Labcorp Genetics (formerly Invitae), Labcorp
Classification: Pathogenic for Telangiectasia, hereditary hemorrhagic, type 2. Last evaluated: 2025-11-25. Review status: criteria provided, single submitter. Criteria: Invitae Variant Classification Sherloc (09022015). Collection method: clinical testing. Allele origin: germline.
Comment: This sequence change replaces arginine, which is basic and polar, with proline, which is neutral and non-polar, at codon 484 of the ACVRL1 protein (p.Arg484Pro). This variant is not present in population databases (gnomAD no frequency). This missense change has been observed in individual(s) with clinical features of hereditary hemorrhagic telangiectasia (internal data). ClinVar contains an entry for this variant (Variation ID: 1512139). Invitae Evidence Modeling of protein sequence and biophysical properties (such as structural, functional, and spatial information, amino acid conservation, physicochemical variation, residue mobility, and thermodynamic stability) indicates that this missense variant is expected to disrupt ACVRL1 protein function with a positive predictive value of 95%. This variant disrupts the p.Arg484 amino acid residue in ACVRL1. Other variant(s) that disrupt this residue have been determined to be pathogenic (PMID: 15687131, 17786384, 20501893, 21378382, 23919827). This suggests that this residue is clinically significant, and that variants that disrupt this residue are likely to be disease-causing. For these reasons, this variant has been classified as Pathogenic.

Ambry Genetics
Classification: Likely pathogenic for Cardiovascular phenotype. Last evaluated: 2025-02-13. Review status: criteria provided, single submitter. Criteria: Ambry Variant Classification Scheme 2023. Collection method: clinical testing. Allele origin: germline.
Comment: The p.R484P variant (also known as c.1451G>C), located in coding exon 9 of the ACVRL1 gene, results from a G to C substitution at nucleotide position 1451. The arginine at codon 484 is replaced by proline, an amino acid with dissimilar properties. Other variant(s) at the same codon, p.R484Q (c.1451G>A), p.R484W (c.1450C>T), have been identified in individual(s) with features consistent w ith hereditary hemorrhagic telangiectasia and/or pulmonary arterial hypertension (Trembath RC et al. N. Engl. J. Med., 2001 Aug;345:325-34; Lesca G et al. Hum. Mutat., 2004 Apr;23:289-99; Harrison RE et al. Circulation, 2005 Feb;111:435-41; Letteboer TG et al. Hum. Genet., 2005 Jan;116:8-16; Lenato GM et al. Hum. Mutat., 2006 Feb;27:213-4; Pfarr N et al. Respir. Res., 2013;14:3; Chen YJ et al. Eur. J. Clin. Invest., 2013 Oct;43:1016-24). This variant is considered to be rare based on population cohorts in the Genome Aggregation Database (gnomAD). This amino acid position is highly conserved in available vertebrate species. In addition, this alteration is predicted to be deleterious by in silico analysis. Based on the majority of available evidence to date, this variant is likely to be pathogenic.

Literature cited by the submitters: PubMed 15687131 (cited by Labcorp Genetics (formerly Invitae), Labcorp); PubMed 17786384 (cited by Labcorp Genetics (formerly Invitae), Labcorp); PubMed 20501893 (cited by Labcorp Genetics (formerly Invitae), Labcorp); PubMed 21378382 (cited by Labcorp Genetics (formerly Invitae), Labcorp); PubMed 23919827 (cited by Labcorp Genetics (formerly Invitae), Labcorp).